The following is an entry in ClinVar:

NM_020745.4(AARS2):c.2682+18C>T

Gene: AARS2 (alanyl-tRNA synthetase 2, mitochondrial; minus strand). Cytogenetic location: 6p21.1.
Variant type: single nucleotide variant.
Coding change: c.2682+18C>T on transcript NM_020745.4 (MANE Select); 18 bases into the intron after coding-DNA position 2682, C replaced by T.
Molecular consequence: intron variant.
Genome position (GRCh38, 1-based): chr6:44,301,363, G>A on the plus strand (C>T on the coding strand, the complement: AARS2 is on the minus strand). VCF-style: chr6-44301363-G-A. GRCh37 (hg19) VCF-style: chr6-44269100-G-A.
Identifiers: ClinVar variation 385162 (VCV000385162.9), dbSNP rs549379670, ClinGen allele CA3833888.

ClinVar aggregate classification (germline): Likely benign. Review status: criteria provided, multiple submitters, no conflicts (2 of 4 stars). 2 submissions from 2 submitters: Likely benign (2). Last evaluated 2025-03-26.

Allele frequency attached by ClinVar (database versions not stated): TOPMed 0.00004; gnomAD 0.00013; 1000 Genomes Project 30x 0.00016; 1000 Genomes Project 0.00020; ExAC 0.00002; gnomAD exomes 0.00003.
gnomAD v4.1: 48 of 1,613,930 alleles (0.003%); highest among the groups gnomAD compares: Non-Finnish European, 0.0036%; no homozygotes.

Submissions (2):

Labcorp Genetics (formerly Invitae), Labcorp
Classification: Likely benign. Last evaluated: 2025-03-26. Review status: criteria provided, single submitter. Criteria: Invitae Variant Classification Sherloc (09022015). Collection method: clinical testing. Allele origin: germline.

GeneDx
Classification: Likely benign. Last evaluated: 2016-04-20. Review status: criteria provided, single submitter. Criteria: GeneDx Variant Classification (06012015). Collection method: clinical testing. Allele origin: germline. Affected: yes.
Comment: This variant is considered likely benign or benign based on one or more of the following criteria: it is a conservative change, it occurs at a poorly conserved position in the protein, it is predicted to be benign by multiple in silico algorithms, and/or has population frequency not consistent with disease.